The following is an entry in ClinVar:

ClinVar aggregate classification (germline): Uncertain significance. Review status: criteria provided, multiple submitters, no conflicts (2 of 4 stars). 3 submissions from 3 submitters: Uncertain significance (3). Last evaluated 2025-02-19.

Conditions:
Hereditary cancer-predisposing syndrome. Also called: Hereditary Cancer Syndrome; Hereditary neoplastic syndrome; Neoplastic Syndromes, Hereditary; Tumor predisposition. Identifiers: Orphanet 140162, MedGen C0027672, MeSH D009386, MONDO:0015356.
Gorlin syndrome. Also called: Nevoid Basal Cell Carcinoma Syndrome; Basal cell nevus syndrome. Identifiers: Orphanet 377, MedGen C0004779, MONDO:0007187.
Medulloblastoma (MDB). Also called: MEDULLOBLASTOMA PREDISPOSITION SYNDROME; Medulloblastoma, somatic. Identifiers: Orphanet 616, MedGen C0025149, MeSH D008527, MONDO:0007959, OMIM 155255, HP:0002885.

Allele frequency attached by ClinVar (database versions not stated): gnomAD exomes below 0.00001; gnomAD 0.00001; TOPMed 0.00001; ESP Exome Variant Server 0.00008.
gnomAD v4.1: 2 of 1,614,074 alleles (0.00012%); highest among the groups gnomAD compares: Non-Finnish European, 0.00017%; no homozygotes.

Submissions (3):

Labcorp Genetics (formerly Invitae), Labcorp
Classification: Uncertain significance for Gorlin syndrome; Medulloblastoma. Last evaluated: 2025-02-19. Review status: criteria provided, single submitter. Criteria: Invitae Variant Classification Sherloc (09022015). Collection method: clinical testing. Allele origin: germline.
Comment: This sequence change replaces serine, which is neutral and polar, with glycine, which is neutral and non-polar, at codon 165 of the SUFU protein (p.Ser165Gly). This variant is not present in population databases (gnomAD no frequency). This variant has not been reported in the literature in individuals affected with SUFU-related conditions. ClinVar contains an entry for this variant (Variation ID: 1744250). Invitae Evidence Modeling of protein sequence and biophysical properties (such as structural, functional, and spatial information, amino acid conservation, physicochemical variation, residue mobility, and thermodynamic stability) indicates that this missense variant is not expected to disrupt SUFU protein function with a negative predictive value of 80%. In summary, the available evidence is currently insufficient to determine the role of this variant in disease. Therefore, it has been classified as a Variant of Uncertain Significance.

Ambry Genetics
Classification: Uncertain significance for Hereditary cancer-predisposing syndrome. Last evaluated: 2024-09-08. Review status: criteria provided, single submitter. Criteria: Ambry Variant Classification Scheme 2023. Collection method: clinical testing. Allele origin: germline.
Comment: The p.S165G variant (also known as c.493A>G), located in coding exon 4 of the SUFU gene, results from an A to G substitution at nucleotide position 493. The serine at codon 165 is replaced by glycine, an amino acid with similar properties. This amino acid position is highly conserved in available vertebrate species. In addition, the in silico prediction for this alteration is inconclusive. Since supporting evidence is limited at this time, the clinical significance of this alteration remains unclear.

Blueprint Genetics
Classification: Uncertain significance. Last evaluated: 2023-10-11. Review status: criteria provided, single submitter. Criteria: ACMG Guidelines, 2015. Collection method: clinical testing. Allele origin: germline.

NM_016169.4(SUFU):c.493A>G (p.Ser165Gly)

Gene: SUFU (SUFU negative regulator of hedgehog signaling; plus strand). Cytogenetic location: 10q24.32.
Variant type: single nucleotide variant.
Coding change: c.493A>G on transcript NM_016169.4 (MANE Select); coding-DNA position 493, A replaced by G.
Protein change: p.Ser165Gly; replaces serine 165 with glycine.
Molecular consequence: missense variant.
Genome position (GRCh38, 1-based): chr10:102,592,620, A>G. VCF-style: chr10-102592620-A-G. GRCh37 (hg19) VCF-style: chr10-104352377-A-G.
Other names: c.493A>G, p.Ser165Gly (NM_001178133.2); short protein forms S165G.
Identifiers: ClinVar variation 1744250 (VCV001744250.5), dbSNP rs368270585, ClinGen allele CA212265677.